The following is an entry in ClinVar:

ClinVar aggregate classification (germline): Uncertain significance (1 of 4 stars; one submission).

Allele frequency attached by ClinVar (database versions not stated): gnomAD exomes below 0.00001; gnomAD 0.00001; TOPMed 0.00001.
gnomAD v4.1: 4 of 1,614,082 alleles (0.00025%); highest among the groups gnomAD compares: East Asian, 0.0022%; no homozygotes.

Submission:

Labcorp Genetics (formerly Invitae), Labcorp
Classification: Uncertain significance. Last evaluated: 2024-04-10. Review status: criteria provided, single submitter. Criteria: Invitae Variant Classification Sherloc (09022015). Collection method: clinical testing. Allele origin: germline.
Comment: This sequence change replaces glutamine, which is neutral and polar, with arginine, which is basic and polar, at codon 775 of the EMC1 protein (p.Gln775Arg). This variant is present in population databases (no rsID available, gnomAD 0.06%). This variant has not been reported in the literature in individuals affected with EMC1-related conditions. ClinVar contains an entry for this variant (Variation ID: 1483556). Advanced modeling of protein sequence and biophysical properties (such as structural, functional, and spatial information, amino acid conservation, physicochemical variation, residue mobility, and thermodynamic stability) performed at Invitae indicates that this missense variant is expected to disrupt EMC1 protein function with a positive predictive value of 80%. In summary, the available evidence is currently insufficient to determine the role of this variant in disease. Therefore, it has been classified as a Variant of Uncertain Significance.

NM_015047.3(EMC1):c.2324A>G (p.Gln775Arg)

Genes: EMC1 (ER membrane protein complex subunit 1; minus strand), EMC1-AS1 (EMC1 antisense RNA 1; plus strand). Cytogenetic location: 1p36.13.
Variant type: single nucleotide variant.
Coding change: c.2324A>G on transcript NM_015047.3 (MANE Select); coding-DNA position 2324, A replaced by G.
Protein change: p.Gln775Arg; replaces glutamine 775 with arginine.
Molecular consequence: missense variant.
Genome position (GRCh38, 1-based): chr1:19,223,448, T>C on the plus strand (A>G on the coding strand, the complement: EMC1 is on the minus strand). VCF-style: chr1-19223448-T-C. GRCh37 (hg19) VCF-style: chr1-19549942-T-C.
Other names: c.2321A>G, p.Gln774Arg (NM_001271427.2, NM_001271428.2); c.2258A>G, p.Gln753Arg (NM_001271429.2); c.2333A>G, p.Gln778Arg (NM_001375820.1); c.2330A>G, p.Gln777Arg (NM_001375821.1); short protein forms Q775R, Q778R, Q753R, Q777R, Q774R.
Identifiers: ClinVar variation 1483556 (VCV001483556.6), dbSNP rs1191490268, ClinGen allele CA338754867.